The following is an entry in ClinVar:

ClinVar aggregate classification (germline): Benign/Likely benign. Review status: criteria provided, multiple submitters, no conflicts (2 of 4 stars). 2 submissions from 2 submitters: Benign (1); Likely benign (1). Last evaluated 2025-12-29.

Conditions:
Familial cancer of breast. Also called: hereditary breast carcinoma; Hereditary breast cancer; BREAST CANCER, FAMILIAL. Identifiers: Orphanet 227535, MedGen C0346153, MONDO:0016419, OMIM 114480. Disease mechanism: loss of function.

Submissions (2):

Center for Genomic Medicine, Rigshospitalet, Copenhagen University Hospital
Classification: Likely benign. Last evaluated: 2025-12-29. Review status: criteria provided, single submitter. Criteria: ACMG Guidelines, 2015. Collection method: clinical testing. Allele origin: germline.

Myriad Genetics, Inc.
Classification: Benign for Familial cancer of breast. Last evaluated: 2024-08-21. Review status: criteria provided, single submitter. Criteria: Myriad Autosomal Dominant, Autosomal Recessive and X-Linked Classification Criteria (2023). Collection method: clinical testing. Allele origin: unknown.
Comment: This variant is considered benign. This variant is a silent/synonymous amino acid change and it is not expected to impact splicing.

NM_032043.3(BRIP1):c.333A>G (p.Pro111=)

Gene: BRIP1 (BRCA1 interacting DNA helicase 1; minus strand). Cytogenetic location: 17q23.2.
Variant type: single nucleotide variant.
Coding change: c.333A>G on transcript NM_032043.3 (MANE Select); coding-DNA position 333, A replaced by G.
Protein change: p.Pro111=; no amino-acid change (proline 111 retained).
Molecular consequence: synonymous variant.
Genome position (GRCh38, 1-based): chr17:61,857,104, T>C on the plus strand (A>G on the coding strand, the complement: BRIP1 is on the minus strand). VCF-style: chr17-61857104-T-C. GRCh37 (hg19) VCF-style: chr17-59934465-T-C.
Identifiers: ClinVar variation 3378488 (VCV003378488.2).
Genomic context (GRCh38, chr17:61,857,104, plus strand): 5'-AAAATATAAATTACCTTGACAAGTTGATGAAGTGCCATTTCTTTCAGAAGGTGGTGTGCT[T>C]GGATAGTTGAAATGACGTGAAGTTCCTTGGTTCATGTCATTGTTTGTAAAATCCTTTGAA-3'
Protein context (NP_114432.2, residues 101-121): NQGTSRHFNY[Pro111=]STPPSERNGT